The following is an entry in ClinVar:

NM_001148.6(ANK2):c.9748C>T (p.Pro3250Ser)

Gene: ANK2 (ankyrin 2; plus strand). Cytogenetic location: 4q26.
Variant type: single nucleotide variant.
Coding change: c.9748C>T on transcript NM_001148.6 (MANE Select); coding-DNA position 9748, C replaced by T.
Protein change: p.Pro3250Ser; replaces proline 3250 with serine.
Molecular consequence: missense variant. On other transcripts: intron variant (68).
Genome position (GRCh38, 1-based): chr4:113,358,366, C>T. VCF-style: chr4-113358366-C-T. GRCh37 (hg19) VCF-style: chr4-114279522-C-T.
Other names: c.4472-2457C>T (NM_001354240.2, NM_001386144.1, NM_001354241.2); c.1991-2457C>T (NM_001354279.2, NM_001354282.2); c.1976-2457C>T (NM_001354280.2); c.1955-2457C>T (NM_001354278.2, NM_001354281.2); c.827-2457C>T (NM_001386167.1); c.4127-2457C>T (NM_001354273.2); c.4427-2457C>T (NM_020977.5); c.4484-2457C>T (NM_001386152.1); and 35 more; short protein forms P2050S, P3172S, P3250S, P3289S, P3297S.
Identifiers: ClinVar variation 3618782 (VCV003618782.2).

ClinVar aggregate classification (germline): Uncertain significance (1 of 4 stars; one submission).

Conditions:
Long QT syndrome (LQTS). Identifiers: MedGen C0023976, MeSH D008133, MONDO:0002442. Disease mechanism: loss of function. Inheritance: Various modes of inheritance.

gnomAD v4.1: 1 of 1,613,922 alleles (0.000062%); highest among the groups gnomAD compares: Non-Finnish European, 0.000085%; no homozygotes.

Submission:

Labcorp Genetics (formerly Invitae), Labcorp
Classification: Uncertain significance for Long QT syndrome. Last evaluated: 2025-12-01. Review status: criteria provided, single submitter. Criteria: Invitae Variant Classification Sherloc (09022015). Collection method: clinical testing. Allele origin: germline.
Comment: This sequence change replaces proline, which is neutral and non-polar, with serine, which is neutral and polar, at codon 3250 of the ANK2 protein (p.Pro3250Ser). This variant is not present in population databases (gnomAD no frequency). This variant has not been reported in the literature in individuals affected with ANK2-related conditions. ClinVar contains an entry for this variant (Variation ID: 3618782). An algorithm developed to predict the effect of missense changes on protein structure and function (PolyPhen-2) suggests that this variant is likely to be disruptive. In summary, the available evidence is currently insufficient to determine the role of this variant in disease. Therefore, it has been classified as a Variant of Uncertain Significance.